The following is an entry in ClinVar:

ClinVar aggregate classification (germline): Uncertain significance. Review status: criteria provided, multiple submitters, no conflicts (2 of 4 stars). 3 submissions from 3 submitters: Uncertain significance (3). Last evaluated 2023-08-15.

Conditions:
Saldino-Mainzer syndrome (SRTD9). Also called: short-rib thoracic dysplasia 9 with or without polydactyly; CONORENAL SYNDROME; Renal dysplasia, retinal pigmentary dystrophy, cerebellar ataxia and skeletal dysplasia; SHORT-RIB THORACIC DYSPLASIA 9 WITHOUT POLYDACTYLY. Identifiers: Orphanet 140969, MedGen C1849437, MONDO:0009964, OMIM 266920.

Allele frequency attached by ClinVar (database versions not stated): TOPMed 0.00006; gnomAD 0.00007 and 0.00008.
gnomAD v4.1: 70 of 1,609,252 alleles (0.0043%); highest among the groups gnomAD compares: Admixed American, 0.015%; no homozygotes.

Submissions (3):

Blueprint Genetics
Classification: Uncertain significance. Last evaluated: 2023-08-15. Review status: criteria provided, single submitter. Criteria: ACMG Guidelines, 2015. Collection method: clinical testing. Allele origin: germline.

Labcorp Genetics (formerly Invitae), Labcorp
Classification: Uncertain significance for Saldino-Mainzer syndrome. Last evaluated: 2022-07-31. Review status: criteria provided, single submitter. Criteria: Invitae Variant Classification Sherloc (09022015). Collection method: clinical testing. Allele origin: germline.
Comment: This sequence change replaces arginine, which is basic and polar, with glutamine, which is neutral and polar, at codon 550 of the IFT140 protein (p.Arg550Gln). The frequency data for this variant in the population databases is considered unreliable, as metrics indicate poor data quality at this position in the gnomAD database. This variant has not been reported in the literature in individuals affected with IFT140-related conditions. ClinVar contains an entry for this variant (Variation ID: 318189). Algorithms developed to predict the effect of missense changes on protein structure and function are either unavailable or do not agree on the potential impact of this missense change (SIFT: "Tolerated"; PolyPhen-2: "Probably Damaging"; Align-GVGD: "Class C0"). In summary, the available evidence is currently insufficient to determine the role of this variant in disease. Therefore, it has been classified as a Variant of Uncertain Significance.

Illumina Laboratory Services, Illumina
Classification: Uncertain significance for Saldino-Mainzer syndrome. Last evaluated: 2018-01-12. Review status: criteria provided, single submitter. Criteria: ICSL Variant Classification Criteria 13 December 2019. Collection method: clinical testing. Allele origin: germline.

NM_014714.4(IFT140):c.1649G>A (p.Arg550Gln)

Gene: IFT140 (intraflagellar transport 140; minus strand). Cytogenetic location: 16p13.3.
Variant type: single nucleotide variant.
Coding change: c.1649G>A on transcript NM_014714.4 (MANE Select); coding-DNA position 1649, G replaced by A.
Protein change: p.Arg550Gln; replaces arginine 550 with glutamine.
Molecular consequence: missense variant.
Genome position (GRCh38, 1-based): chr16:1,571,410, C>T on the plus strand (G>A on the coding strand, the complement: IFT140 is on the minus strand). VCF-style: chr16-1571410-C-T. GRCh37 (hg19) VCF-style: chr16-1621411-C-T.
Other names: short protein forms R550Q.
Identifiers: ClinVar variation 318189 (VCV000318189.12), dbSNP rs762399912, ClinGen allele CA7814205.